The following is an entry in ClinVar:

NM_005045.4(RELN):c.10038C>A (p.Asn3346Lys)

Genes: RELN (reelin; minus strand), SLC26A5-AS1 (SLC26A5 antisense RNA 1; plus strand). Cytogenetic location: 7q22.1.
Variant type: single nucleotide variant.
Coding change: c.10038C>A on transcript NM_005045.4 (MANE Select); coding-DNA position 10038, C replaced by A.
Protein change: p.Asn3346Lys; replaces asparagine 3346 with lysine.
Molecular consequence: missense variant.
Genome position (GRCh38, 1-based): chr7:103,483,796, G>T on the plus strand (C>A on the coding strand, the complement: RELN is on the minus strand). VCF-style: chr7-103483796-G-T. GRCh37 (hg19) VCF-style: chr7-103124243-G-T.
Other names: c.10038C>A (NM_005045.3); c.10038C>A, p.Asn3346Lys (NM_173054.3); short protein forms N3346K.
Identifiers: ClinVar variation 2073058 (VCV002073058.5), dbSNP rs1199400517, ClinGen allele CA368739189.

ClinVar aggregate classification (germline): Uncertain significance. Review status: criteria provided, multiple submitters, no conflicts (2 of 4 stars). 2 submissions from 2 submitters: Uncertain significance (2). Last evaluated 2025-11-10.

Conditions:
Norman-Roberts syndrome (LIS2). Also called: Lissencephaly 2 (Norman-Roberts type). Identifiers: Orphanet 89844, MedGen C0796089, MONDO:0009760, OMIM 257320.
Familial temporal lobe epilepsy 7. Identifiers: Orphanet 101046, MedGen C4225327, MONDO:0014639, OMIM 616436.

Allele frequency attached by ClinVar (database versions not stated): TOPMed 0.00001.
gnomAD v4.1: 1 of 1,614,086 alleles (0.000062%); highest among the groups gnomAD compares: African/African-American, 0.0013%; no homozygotes.

Submissions (2):

Labcorp Genetics (formerly Invitae), Labcorp
Classification: Uncertain significance for Familial temporal lobe epilepsy 7; Norman-Roberts syndrome. Last evaluated: 2025-11-10. Review status: criteria provided, single submitter. Criteria: Invitae Variant Classification Sherloc (09022015). Collection method: clinical testing. Allele origin: germline.
Comment: This sequence change replaces asparagine, which is neutral and polar, with lysine, which is basic and polar, at codon 3346 of the RELN protein (p.Asn3346Lys). This variant is not present in population databases (gnomAD no frequency). This variant has not been reported in the literature in individuals affected with RELN-related conditions. ClinVar contains an entry for this variant (Variation ID: 2073058). Invitae Evidence Modeling of protein sequence and biophysical properties (such as structural, functional, and spatial information, amino acid conservation, physicochemical variation, residue mobility, and thermodynamic stability) indicates that this missense variant is not expected to disrupt RELN protein function with a negative predictive value of 80%. In summary, the available evidence is currently insufficient to determine the role of this variant in disease. Therefore, it has been classified as a Variant of Uncertain Significance.

GeneDx
Classification: Uncertain significance. Last evaluated: 2023-06-26. Review status: criteria provided, single submitter. Criteria: GeneDx Variant Classification Process June 2021. Collection method: clinical testing. Allele origin: germline. Affected: yes.
Comment: Not observed at significant frequency in large population cohorts (gnomAD); In silico analysis supports that this missense variant does not alter protein structure/function; Has not been previously published as pathogenic or benign to our knowledge